The following is an entry in ClinVar:

ClinVar aggregate classification (germline): Conflicting classifications of pathogenicity. Review status: criteria provided, conflicting classifications (1 of 4 stars). 9 submissions from 9 submitters: Uncertain significance (2); Benign (1); Likely benign (5). 1 of the submissions does not count toward it. Last evaluated 2026-02-03.

Conditions:
Diffuse cerebral and cerebellar atrophy - intractable seizures - progressive microcephaly syndrome. Also called: Microcephaly, progressive, with seizures and cerebral and cerebellar atrophy. Identifiers: Orphanet 404437, MedGen C4014239, MONDO:0014335, OMIM 615760.
QARS1-related disorder. Also called: QARS1-related condition.

Allele frequency attached by ClinVar (database versions not stated): 1000 Genomes Project 30x 0.00078; 1000 Genomes Project 0.00100; TOPMed 0.00165; ESP Exome Variant Server 0.00192; gnomAD 0.00217 and 0.00220; gnomAD exomes 0.00266; ExAC 0.00300.
gnomAD v4.1: 3,319 of 1,612,830 alleles (0.21%); highest among the groups gnomAD compares: Non-Finnish European, 0.2%; 4 homozygotes.

Submissions (9):

Labcorp Genetics (formerly Invitae), Labcorp
Classification: Benign for Diffuse cerebral and cerebellar atrophy - intractable seizures - progressive microcephaly syndrome. Last evaluated: 2026-02-03. Review status: criteria provided, single submitter. Criteria: Invitae Variant Classification Sherloc (09022015). Collection method: clinical testing. Allele origin: germline.

Revvity Omics, Revvity
Classification: Uncertain significance for Diffuse cerebral and cerebellar atrophy - intractable seizures - progressive microcephaly syndrome. Last evaluated: 2025-01-23. Review status: criteria provided, single submitter. Criteria: ACMG Guidelines, 2015. Collection method: clinical testing. Allele origin: germline.

Blueprint Genetics
Classification: Likely benign. Last evaluated: 2024-11-26. Review status: criteria provided, single submitter. Criteria: ACMG Guidelines, 2015. Collection method: clinical testing. Allele origin: germline.

ARUP Laboratories, Molecular Genetics and Genomics, ARUP Laboratories
Classification: Likely benign. Last evaluated: 2023-09-18. Review status: criteria provided, single submitter. Criteria: ARUP Molecular Germline Variant Investigation Process 2024. Collection method: clinical testing. Allele origin: germline.

Center for Genomics, Ann and Robert H. Lurie Children's Hospital of Chicago
Classification: Likely benign. Last evaluated: 2021-03-30. Review status: criteria provided, single submitter. Criteria: ACMG Guidelines, 2015. Collection method: clinical testing. Allele origin: germline.
Comment: QARS NM_005051.2 exon 1 p.Leu9Ile (c.25C>A): This variant has not been reported in the literature but is present in 0.8% (89/10620) of Finnish alleles including 1 homozygote, as well as 1 homozygote in the South Asian population in the Genome Aggregation Database. This variant is present in ClinVar (Variation ID:384247) with classifications ranging from Benign to Variant of Uncertain Significance. Evolutionary conservation suggests that this variant may impact the protein; computational predictive tools for this variant are unclear. In summary, data on this variant suggests that this variant does not cause disease, but requires further evidence. Therefore this variant is classified as likely benign.

Victorian Clinical Genetics Services, Murdoch Childrens Research Institute
Classification: Likely benign for Diffuse cerebral and cerebellar atrophy - intractable seizures - progressive microcephaly syndrome. Last evaluated: 2020-10-19. Review status: criteria provided, single submitter. Criteria: ACMG Guidelines, 2015. Collection method: clinical testing. Allele origin: germline. Inheritance: Autosomal recessive inheritance. Affected: yes.
Comment: Based on the classification scheme VCGS_Germline_v1.3.3, this variant is classified as Likely Benign. Following criteria are met: 0102 - Loss of function is a known mechanism of disease in this gene and is associated with microcephaly, progressive, seizures, and cerebral and cerebellar atrophy (MIM#615760). (I) 0106 - This gene is associated with autosomal recessive disease. (I) 0200 - Variant is predicted to result in a missense amino acid change from leucine to isoleucine. (I) 0251 - This variant is heterozygous. (I) 0308 - Population frequency for this variant is out of keeping with known incidence of microcephaly, progressive, seizures, and cerebral and cerebellar atrophy (MIM#615760) (gnomAD v2: 735 heterozygotes, 1 homozygote). (SP) 0502 - Missense variant with conflicting in silico predictions but high conservation. (I) 0600 - Variant is located in the annotated glutaminyl-tRNA synthetase, non-specific RNA binding region part 1 (PDB). (I) 0705 - No comparable missense variants have previous evidence for pathogenicity. (I) 0806 - This variant has moderate previous evidence of being benign in unrelated individuals. The variant has previously been classified as both a VUS and likely benign, but most recently as benign (ClinVar). (SB) 0905 - No published segregation evidence has been identified for this variant. (I) 1007 - No published functional evidence has been identified for this variant. (I) 1208 - Inheritance information for this variant is not currently available in this individual. (I) Legend: (SP) - Supporting pathogenic, (I) - Information, (SB) - Supporting benign

GeneDx
Classification: Likely benign. Last evaluated: 2020-04-28. Review status: criteria provided, single submitter. Criteria: GeneDx Variant Classification Process June 2021. Collection method: clinical testing. Allele origin: germline. Affected: yes.

CeGaT Center for Human Genetics Tuebingen
Classification: Uncertain significance. Last evaluated: 2017-11-01. Review status: criteria provided, single submitter. Criteria: CeGaT Center For Human Genetics Tuebingen Variant Classification Criteria Version 2. Collection method: clinical testing. Allele origin: germline. Affected: yes. Observed: 1 variant allele.

PreventionGenetics, part of Exact Sciences
Classification: Benign for QARS1-related condition. Last evaluated: 2024-07-11. Review status: no assertion criteria provided. Collection method: clinical testing. Allele origin: germline. Not counted in ClinVar's aggregate classification.
Comment: This variant is classified as benign based on ACMG/AMP sequence variant interpretation guidelines (Richards et al. 2015 PMID: 25741868, with internal and published modifications).

NM_005051.3(QARS1):c.25C>A (p.Leu9Ile)

Genes: QARS1 (glutaminyl-tRNA synthetase 1; minus strand), LOC129936736 (ATAC-STARR-seq lymphoblastoid active region 19853; plus strand). Cytogenetic location: 3p21.31.
Variant type: single nucleotide variant.
Coding change: c.25C>A on transcript NM_005051.3 (MANE Select); coding-DNA position 25, C replaced by A.
Protein change: p.Leu9Ile; replaces leucine 9 with isoleucine.
Molecular consequence: missense variant. On other transcripts: non-coding transcript variant (1).
Genome position (GRCh38, 1-based): chr3:49,104,709, G>T on the plus strand (C>A on the coding strand, the complement: QARS1 is on the minus strand). VCF-style: chr3-49104709-G-T. GRCh37 (hg19) VCF-style: chr3-49142142-G-T.
Other names: c.25C>A, p.Leu9Ile (NM_001272073.2); short protein forms L9I.
Identifiers: ClinVar variation 384247 (VCV000384247.54), dbSNP rs62621067, ClinGen allele CA2392339.
Genomic context (GRCh38, chr3:49,104,709, plus strand): 5'-GAGCCGAGTTCTTGAGCGTCTCGCGGGCCTTCTGCTCGCTCAGGCCGAGGCTAGTGAAGA[G>T]CGACAGGGAGTCTAGAGCCGCCATTGCAGAGACACCGGAAACTAAAAGAAACTTAGGCCC-3'
Protein context (NP_005042.1, residues 1-19): MAALDSLS[Leu9Ile]FTSLGLSEQK